The following is an entry in ClinVar:

ClinVar aggregate classification (germline): Uncertain significance (1 of 4 stars; one submission).

Submission:

GeneDx
Classification: Uncertain significance. Last evaluated: 2020-02-20. Review status: criteria provided, single submitter. Criteria: GeneDx Variant Classification Process June 2021. Collection method: clinical testing. Allele origin: germline. Affected: yes.
Comment: Not observed in large population cohorts (Lek et al., 2016); Missense variants in this gene are often considered pathogenic (Stenson et al., 2014); In silico analysis supports that this missense variant has a deleterious effect on protein structure/function; Different missense changes at this residue (Y275N; Y275C) have been reported in the published literature and in the Human Gene Mutation Database (van Harssel et al., 2013; Stenson et al., 2014); Reported in multiple female family members with seizures and variable intellectual disability (van Harssel et al., 2013); This variant is associated with the following publications: (PMID: 23334464, 30582250)

NM_001184880.2(PCDH19):c.824A>C (p.Tyr275Ser)

Gene: PCDH19 (protocadherin 19; minus strand). Cytogenetic location: Xq22.1.
Variant type: single nucleotide variant.
Coding change: c.824A>C on transcript NM_001184880.2 (MANE Select); coding-DNA position 824, A replaced by C.
Protein change: p.Tyr275Ser; replaces tyrosine 275 with serine.
Molecular consequence: missense variant.
Genome position (GRCh38, 1-based): chrX:100,407,774, T>G on the plus strand (A>C on the coding strand, the complement: PCDH19 is on the minus strand). VCF-style: chrX-100407774-T-G. GRCh37 (hg19) VCF-style: chrX-99662772-T-G.
Other names: c.824A>C, p.Tyr275Ser (NM_001105243.2, NM_020766.3); short protein forms Y275S.
Identifiers: ClinVar variation 1195629 (VCV001195629.2), dbSNP rs1928426496, ClinGen allele CA414007919.